The following is an entry in ClinVar:

ClinVar aggregate classification (germline): Pathogenic (1 of 4 stars; one submission).

Submission:

GeneDx
Classification: Pathogenic. Last evaluated: 2018-08-13. Review status: criteria provided, single submitter. Criteria: GeneDx Variant Classification (06012015). Collection method: clinical testing. Allele origin: germline. Affected: yes.
Comment: The W158X variant in the MED12 gene has not been reported previously as a pathogenic variant nor as a benign variant, to our knowledge. This variant is predicted to cause loss of normal protein function either through protein truncation or nonsense-mediated mRNA decay. The W158X variant is not observed in large population cohorts (Lek et al., 2016; 1000 Genomes Consortium et al., 2015; Exome Variant Server). We interpret W158X as a pathogenic variant.

NM_005120.3(MED12):c.473G>A (p.Trp158Ter)

Gene: MED12 (mediator complex subunit 12; plus strand). Cytogenetic location: Xq13.1.
Variant type: single nucleotide variant.
Coding change: c.473G>A on transcript NM_005120.3 (MANE Select); coding-DNA position 473, G replaced by A.
Protein change: p.Trp158Ter; replaces tryptophan 158 with a stop codon.
Molecular consequence: nonsense.
Genome position (GRCh38, 1-based): chrX:71,120,090, G>A. VCF-style: chrX-71120090-G-A. GRCh37 (hg19) VCF-style: chrX-70339940-G-A.
Other names: short protein forms W158*.
Identifiers: ClinVar variation 432691 (VCV000432691.2), dbSNP rs1556334114, ClinGen allele CA413500015.